The following is an entry in ClinVar:

NR_003051.3(RMRP):n.-18_-1dup

Gene: RMRP (RNA component of mitochondrial RNA processing endoribonuclease; minus strand). Cytogenetic location: 9p13.3.
Variant type: Duplication.
Genome position: GRCh38 VCF-style: chr9-35658018-C-CACGTCCTCAGCTTCACAG. GRCh37 (hg19) VCF-style: chr9-35658015-C-CACGTCCTCAGCTTCACAG.
Identifiers: ClinVar variation 552761 (VCV000552761.11), dbSNP rs1554651396, ClinGen allele CA587570187.

ClinVar aggregate classification (germline): Pathogenic/Likely pathogenic. Review status: criteria provided, multiple submitters, no conflicts (2 of 4 stars). 3 submissions from 3 submitters: Pathogenic (1); Likely pathogenic (1). 1 of the submissions does not count toward it. Last evaluated 2025-04-03.

Conditions:
Anauxetic dysplasia. Identifiers: Orphanet 93347, MedGen C1846796, MONDO:0011773.
Metaphyseal chondrodysplasia, McKusick type (CHH). Also called: Cartilage-hair hypoplasia; Cartilage-Hair Hypoplasia (CHH). Identifiers: Orphanet 175, MedGen C0220748, MONDO:0009595, OMIM 250250.

Submissions (3):

Natera, Inc.
Classification: Likely pathogenic for Cartilage-hair hypoplasia. Last evaluated: 2025-04-03. Review status: criteria provided, single submitter. Criteria: Natera Variant Classification Schema (03/2026). Collection method: clinical testing. Allele origin: germline.
Comment: The n.-18_-1dup variant in RMRP is a duplication affecting the RMRP promoter region between the TATA box and the transcription initiation site. Other duplications and insertions just upstream of the transcription initiation site have been reported in individuals affected with cartilage-hair hypoplasia (PMID: 11207361, 17937437). This variant is rare in the general population with a frequency below the threshold expected for the associated phenotype(s). Given the available evidence, this variant is classified as Likely pathogenic.

Labcorp Genetics (formerly Invitae), Labcorp
Classification: Pathogenic for Anauxetic dysplasia. Last evaluated: 2022-07-20. Review status: criteria provided, single submitter. Criteria: Invitae Variant Classification Sherloc (09022015). Collection method: clinical testing. Allele origin: germline.
Comment: This variant occurs in the RMRP gene, which encodes an RNA molecule that does not result in a protein product. This variant is present in population databases (no rsID available, gnomAD 0.009%). While this particular variant has not been reported in the literature, it is located in the promoter region between the TATA box and the transcription initiation site, and other insertions and duplications immediately upstream of the coding sequence have been reported in individuals affected with cartilage-hair hypoplasia-anauxetic dysplasia (CHH-AD) spectrum disorders (PMID: 16244706, 11207361, 12107819). ClinVar contains an entry for this variant (Variation ID: 552761). While functional studies for this variant have not been reported, experimental analyses using patient derived cells, as well as in vitro transfection studies, have shown that promoter insertions result in silencing of RMRP transcription and reduced expression of the gene product (PMID: 11207361, 16254002). Algorithms developed to predict the effect of sequence changes on RNA splicing suggest that this variant may disrupt the consensus splice site. For these reasons, this variant has been classified as Pathogenic.

Counsyl
Classification: Likely pathogenic for Metaphyseal chondrodysplasia, McKusick type. Last evaluated: 2017-07-06. Review status: no assertion criteria provided. Collection method: clinical testing. Allele origin: unknown. Not counted in ClinVar's aggregate classification.

Literature cited by the submitters: PubMed 11207361 (cited by 3 submitters); PubMed 17937437 (cited by Natera, Inc. and Counsyl); PubMed 16244706 (cited by Labcorp Genetics (formerly Invitae), Labcorp); PubMed 12107819 (cited by Labcorp Genetics (formerly Invitae), Labcorp); PubMed 16254002 (cited by Labcorp Genetics (formerly Invitae), Labcorp and Counsyl); PubMed 14608646 (cited by Counsyl).